The following is an entry in ClinVar:

NM_000138.5(FBN1):c.7283T>C (p.Ile2428Thr)

Gene: FBN1 (fibrillin 1; minus strand). Cytogenetic location: 15q21.1.
Variant type: single nucleotide variant.
Coding change: c.7283T>C on transcript NM_000138.5 (MANE Select); coding-DNA position 7283, T replaced by C.
Protein change: p.Ile2428Thr; replaces isoleucine 2428 with threonine.
Molecular consequence: missense variant.
Genome position (GRCh38, 1-based): chr15:48,425,786, A>G on the plus strand (T>C on the coding strand, the complement: FBN1 is on the minus strand). VCF-style: chr15-48425786-A-G. GRCh37 (hg19) VCF-style: chr15-48717983-A-G.
Other names: short protein forms I2428T.
Identifiers: ClinVar variation 924255 (VCV000924255.10), dbSNP rs565474071, ClinGen allele CA058198.
Genomic context (GRCh38, chr15:48,425,786, plus strand): 5'-AATAGACACTTACCTACACAGGAAGTCCCAGTTATATCTGGAGTGTACCCAGTTTTACAA[A>G]TGCAATGATATGATCCTCTGTCATTGACACATTCCCCATTTCGGCAAACATCGTGAATAA-3'
Protein context (NP_000129.3, residues 2418-2438): CVNDRGSYHC[Ile2428Thr]CKTGYTPDIT

ClinVar aggregate classification (germline): Conflicting classifications of pathogenicity. Review status: criteria provided, conflicting classifications (1 of 4 stars). 3 submissions from 3 submitters: Uncertain significance (2); Likely benign (1). Last evaluated 2025-03-25.

Conditions:
Familial thoracic aortic aneurysm and aortic dissection (TAAD). Also called: Thoracic aortic aneurysms and dissections. Identifiers: Orphanet 91387, MedGen C4707243, MONDO:0019625.
Marfan syndrome (MFS). Also called: Marfan syndrome, classic; Marfan syndrome type 1; Marfan's syndrome; FBN1-Related Marfan Syndrome; MARFAN SYNDROME, TYPE I. Identifiers: Orphanet 284963, Orphanet 558, MedGen C0024796, MONDO:0007947, OMIM 154700.

Allele frequency attached by ClinVar (database versions not stated): ExAC 0.00001; 1000 Genomes Project 0.00020; gnomAD exomes below 0.00001 and 0.00002; gnomAD 0.00001; 1000 Genomes Project 30x 0.00016.
gnomAD v4.1: 7 of 1,613,034 alleles (0.00043%); highest among the groups gnomAD compares: South Asian, 0.0066%; no homozygotes.

Submissions (3):

GeneDx
Classification: Uncertain significance. Last evaluated: 2025-03-25. Review status: criteria provided, single submitter. Criteria: GeneDx Variant Classification Process June 2021. Collection method: clinical testing. Allele origin: germline. Affected: yes.
Comment: Not observed at significant frequency in large population cohorts (gnomAD); In silico analysis indicates that this missense variant does not alter protein structure/function; Has not been previously published as pathogenic or benign to our knowledge; Does not affect a cysteine or calcium-binding residue within an EGF-like domain or a TGF-binding protein domain of the FBN1 gene; cysteine substitutions in the EGF-like domains represent the majority of pathogenic missense changes associated with FBN1-related disorders (PMID: 12938084); This variant is associated with the following publications: (PMID: 12938084)

Labcorp Genetics (formerly Invitae), Labcorp
Classification: Likely benign for Marfan syndrome; Familial thoracic aortic aneurysm and aortic dissection. Last evaluated: 2024-03-21. Review status: criteria provided, single submitter. Criteria: Invitae Variant Classification Sherloc (09022015). Collection method: clinical testing. Allele origin: germline.

Color Diagnostics, LLC DBA Color Health
Classification: Uncertain significance for Familial thoracic aortic aneurysm and aortic dissection. Last evaluated: 2024-03-06. Review status: criteria provided, single submitter. Criteria: ACMG Guidelines, 2015. Collection method: clinical testing. Allele origin: germline.
Comment: This missense variant replaces isoleucine with threonine at codon 2428 of the FBN1 protein. Computational prediction suggests that this variant may not impact protein structure and function (internally defined REVEL score threshold <= 0.5, PMID: 27666373). To our knowledge, functional studies have not been reported for this variant. This variant has not been reported in individuals affected with cardiovascular disorders in the literature. This variant has been identified in 4/251260 chromosomes in the general population by the Genome Aggregation Database (gnomAD). The available evidence is insufficient to determine the role of this variant in disease conclusively. Therefore, this variant is classified as a Variant of Uncertain Significance.